The following is an entry in ClinVar:

ClinVar aggregate classification (germline): Uncertain significance (1 of 4 stars; one submission).

Conditions:
Charcot-Marie-Tooth disease type 2E (CMT2E). Also called: CHARCOT-MARIE-TOOTH DISEASE, AXONAL, TYPE 2E; CHARCOT-MARIE-TOOTH NEUROPATHY, TYPE 2E. Identifiers: Orphanet 99939, MedGen C1843225, MONDO:0011894, OMIM 607684.

Submission:

Labcorp Genetics (formerly Invitae), Labcorp
Classification: Uncertain significance for Charcot-Marie-Tooth disease type 2E. Last evaluated: 2024-10-10. Review status: criteria provided, single submitter. Criteria: Invitae Variant Classification Sherloc (09022015). Collection method: clinical testing. Allele origin: germline.
Comment: This sequence change replaces alanine, which is neutral and non-polar, with serine, which is neutral and polar, at codon 476 of the NEFL protein (p.Ala476Ser). This variant is not present in population databases (gnomAD no frequency). This variant has not been reported in the literature in individuals affected with NEFL-related conditions. Invitae Evidence Modeling of protein sequence and biophysical properties (such as structural, functional, and spatial information, amino acid conservation, physicochemical variation, residue mobility, and thermodynamic stability) has been performed for this missense variant. However, the output from this modeling did not meet the statistical confidence thresholds required to predict the impact of this variant on NEFL protein function. In summary, the available evidence is currently insufficient to determine the role of this variant in disease. Therefore, it has been classified as a Variant of Uncertain Significance.

NM_006158.5(NEFL):c.1426G>T (p.Ala476Ser)

Gene: NEFL (neurofilament light chain; minus strand). Cytogenetic location: 8p21.2.
Variant type: single nucleotide variant.
Coding change: c.1426G>T on transcript NM_006158.5 (MANE Select); coding-DNA position 1426, G replaced by T.
Protein change: p.Ala476Ser; replaces alanine 476 with serine.
Molecular consequence: missense variant.
Genome position (GRCh38, 1-based): chr8:24,953,539, C>A on the plus strand (G>T on the coding strand, the complement: NEFL is on the minus strand). VCF-style: chr8-24953539-C-A. GRCh37 (hg19) VCF-style: chr8-24811052-C-A.
Other names: short protein forms A476S.
Identifiers: ClinVar variation 3715724 (VCV003715724.2).
Genomic context (GRCh38, chr8:24,953,539, plus strand): 5'-CTTCCTCTTCAGCTGCCTCCTCTTCCTCGGCCTCTTCCTTGTCCTTCTCCTCCTCCTCGG[C>A]TTCTCCTTCAGAGGGGGGCTCATCCTTGGCTTCCTCAGCCTTGGCAGCCTCAATGGTTTC-3'
Protein context (NP_006149.2, residues 466-486): AKDEPPSEGE[Ala476Ser]EEEEKDKEEA